The following is an entry in ClinVar:

ClinVar aggregate classification (germline): Uncertain significance (1 of 4 stars; one submission).

Conditions:
Myopathy, lactic acidosis, and sideroblastic anemia 2 (MLASA2). Identifiers: Orphanet 2598, MedGen C3150802, MONDO:0013307, OMIM 613561.

gnomAD v4.1: 1 of 1,613,522 alleles (0.000062%); highest among the groups gnomAD compares: East Asian, 0.0022%; no homozygotes.

Submission:

Victorian Clinical Genetics Services, Murdoch Childrens Research Institute
Classification: Uncertain significance for Myopathy, lactic acidosis, and sideroblastic anemia 2. Last evaluated: 2026-03-25. Review status: criteria provided, single submitter. Criteria: ACMG Guidelines, 2015. Collection method: clinical testing. Allele origin: germline. Affected: yes.
Comment: This variant is classified as VUS-3A. Evidence in support of pathogenic classification: Variant is present in gnomAD <0.01 for a recessive condition (v4: 1 heterozygote, 0 homozygotes) ; Very strong and specific phenotype match for this individual. Abundance of the protein is reduced in the probands cells (peripheral blood mononuclear cells and lymphoblasts) compared to controls. Additional information: Variant is predicted to result in a missense amino acid change from leucine to phenylalanine; This variant is heterozygous; This gene is associated with autosomal recessive disease; This variant has no previous evidence of pathogenicity; No published segregation evidence has been identified for this variant; No published functional evidence has been identified for this variant; No comparable missense variants have previous evidence for pathogenicity; Variant is not located in an established domain, motif, hotspot or informative constraint region; Missense variant with inconclusive in silico prediction and uninformative conservation; Loss of function is a known mechanism of disease in this gene and is associated with myopathy, lactic acidosis, and sideroblastic anemia 2 (MIM#613561); Variants in this gene are known to have variable expressivity (OMIM).

NM_001040436.3(YARS2):c.1384C>T (p.Leu462Phe)

Gene: YARS2 (tyrosyl-tRNA synthetase 2; minus strand). Cytogenetic location: 12p11.21.
Variant type: single nucleotide variant.
Coding change: c.1384C>T on transcript NM_001040436.3 (MANE Select); coding-DNA position 1384, C replaced by T.
Protein change: p.Leu462Phe; replaces leucine 462 with phenylalanine.
Molecular consequence: missense variant.
Genome position (GRCh38, 1-based): chr12:32,747,254, G>A on the plus strand (C>T on the coding strand, the complement: YARS2 is on the minus strand). VCF-style: chr12-32747254-G-A. GRCh37 (hg19) VCF-style: chr12-32900188-G-A.
Other names: short protein forms L462F.
Identifiers: ClinVar variation 4531397 (VCV004531397.2).